The following is an entry in ClinVar:

ClinVar aggregate classification (germline): Pathogenic (1 of 4 stars; one submission).

Conditions:
Early-infantile DEE. Also called: Ohtahara syndrome; Early infantile epileptic encephalopathy with suppression bursts; Early infantile epileptic encephalopathy. Identifiers: Orphanet 1934, MedGen C0393706, MONDO:0800491.

Submission:

Labcorp Genetics (formerly Invitae), Labcorp
Classification: Pathogenic for Early-infantile DEE. Last evaluated: 2021-01-04. Review status: criteria provided, single submitter. Criteria: Invitae Variant Classification Sherloc (09022015). Collection method: clinical testing. Allele origin: germline.
Comment: This sequence change creates a premature translational stop signal (p.Met988*) in the SPTAN1 gene. It is expected to result in an absent or disrupted protein product. Loss-of-function variants in SPTAN1 are known to be pathogenic (PMID: 31332438, 33206935). This variant is not present in population databases (ExAC no frequency). This variant has not been reported in the literature in individuals with SPTAN1-related conditions. For these reasons, this variant has been classified as Pathogenic.

Literature cited by the submitters: PubMed 31332438; PubMed 33206935.

NM_001130438.3(SPTAN1):c.2961del (p.Thr987_Met988insTer)

Gene: SPTAN1 (spectrin alpha, non-erythrocytic 1; plus strand). Cytogenetic location: 9q34.11.
Variant type: Deletion.
Coding change: c.2961del on transcript NM_001130438.3 (MANE Select); coding-DNA position 2961, one base deleted (C; older notation c.2961delC).
Protein change: p.Thr987_Met988insTer.
Molecular consequence: frameshift variant.
Genome position (GRCh38, 1-based): chr9:128,588,898, C deleted; the last of 2 consecutive C bases (chr9:128,588,897-128,588,898); deleting either gives the same sequence. VCF-style (leftmost placement, unchanged base first): chr9-128588896-AC-A. GRCh37 (hg19) VCF-style: chr9-131351175-AC-A.
Other names: c.2961del, p.Thr987_Met988insTer (NM_001195532.2, NM_001363759.2, NM_001363765.2 and 5 more transcripts); c.2997del, p.Thr999_Met1000insTer (NM_001375312.2, NM_001375318.1).
Identifiers: ClinVar variation 1038134 (VCV001038134.7), dbSNP rs1853049371, ClinGen allele CA1880343996.